The following is an entry in ClinVar:

NM_175914.5(HNF4A):c.1302C>T (p.Ile434=)

Gene: HNF4A (hepatocyte nuclear factor 4 alpha; plus strand). Cytogenetic location: 20q13.12.
Variant type: single nucleotide variant.
Coding change: c.1302C>T on transcript NM_175914.5 (MANE Select); coding-DNA position 1302, C replaced by T.
Protein change: p.Ile434=; no amino-acid change (isoleucine 434 retained).
Molecular consequence: synonymous variant.
Genome position (GRCh38, 1-based): chr20:44,429,608, C>T. VCF-style: chr20-44429608-C-T. GRCh37 (hg19) VCF-style: chr20-43058248-C-T.
Other names: c.1368C>T, p.Ile456= (NM_000457.6); c.1272C>T, p.Ile424= (NM_001030003.3); c.1347C>T, p.Ile449= (NM_001258355.2); c.1263C>T, p.Ile421= (NM_001287182.2); c.1293C>T, p.Ile431= (NM_001287183.2); c.1338C>T, p.Ile446= (NM_178849.3).
Identifiers: ClinVar variation 757484 (VCV000757484.7), dbSNP rs199884828, ClinGen allele CA9870532.

ClinVar aggregate classification (germline): Benign/Likely benign. Review status: criteria provided, multiple submitters, no conflicts (2 of 4 stars). 3 submissions from 3 submitters: Benign (1); Likely benign (2). Last evaluated 2026-01-18.

Conditions:
Maturity-onset diabetes of the young (MODY). Also called: Maturity onset diabetes mellitus in young. Identifiers: Orphanet 552, MedGen C0342276, MONDO:0018911, HP:0004904.

Allele frequency attached by ClinVar (database versions not stated): gnomAD 0.00001 and 0.00002; gnomAD exomes 0.00002 and 0.00005; TOPMed 0.00002; ExAC 0.00006; 1000 Genomes Project 30x 0.00016; 1000 Genomes Project 0.00020.
gnomAD v4.1: 34 of 1,614,076 alleles (0.0021%); highest among the groups gnomAD compares: Admixed American, 0.02%; no homozygotes.

Submissions (3):

Labcorp Genetics (formerly Invitae), Labcorp
Classification: Likely benign. Last evaluated: 2026-01-18. Review status: criteria provided, single submitter. Criteria: Invitae Variant Classification Sherloc (09022015). Collection method: clinical testing. Allele origin: germline.

Ambry Genetics
Classification: Likely benign for Maturity-onset diabetes of the young. Last evaluated: 2020-03-18. Review status: criteria provided, single submitter. Criteria: Ambry Variant Classification Scheme 2023. Collection method: clinical testing. Allele origin: germline.

Clinical Genomics, Uppaluri K&H Personalized Medicine Clinic
Classification: Benign for Maturity-onset diabetes of the young. Review status: criteria provided, single submitter. Criteria: K & H Uppaluri Personalized Medicine Clinic Variant Classification & Assertion Criteria_Updated V.1. Collection method: research. Allele origin: unknown. Inheritance: Autosomal dominant inheritance.
Comment: Potent mutations in HNF4A are associated with poor insulin secretion in response to hyperglycemia. Associated with MODY1. Patients initially respond well to sulfonylureas but eventually become insulin dependent. However, more evidence is required to ascertain the role of this particular variant rs199884828 in MODY, yet.

Literature cited by the submitters: PubMed 18268044 (cited by Clinical Genomics, Uppaluri K&H Personalized Medicine Clinic); PubMed 17563455 (cited by Clinical Genomics, Uppaluri K&H Personalized Medicine Clinic); PubMed 32583173 (cited by Clinical Genomics, Uppaluri K&H Personalized Medicine Clinic); PubMed 35052457 (cited by Clinical Genomics, Uppaluri K&H Personalized Medicine Clinic); PubMed 35118593 (cited by Clinical Genomics, Uppaluri K&H Personalized Medicine Clinic); DOI 10.1159/000334532 (cited by Clinical Genomics, Uppaluri K&H Personalized Medicine Clinic).